The following is an entry in ClinVar:

ClinVar aggregate classification (germline): Conflicting classifications of pathogenicity. Review status: criteria provided, conflicting classifications (1 of 4 stars). 4 submissions from 4 submitters: Uncertain significance (2); Benign (1); Likely benign (1). Last evaluated 2026-01-15.

Conditions:
Sotos syndrome (SOTOS). Also called: CEREBRAL GIGANTISM; Sotos' syndrome; Distinctive facial appearance, overgrowth in childhood, and learning disabilities or delayed development; CHROMOSOME 5q35 DELETION SYNDROME; SOTOS SYNDROME 1. Identifiers: Orphanet 821, MedGen C0175695, MONDO:0019349, OMIM 117550.
Inborn genetic diseases. Identifiers: MedGen C0950123, MeSH D030342.

Allele frequency attached by ClinVar (database versions not stated): gnomAD exomes 0.00005 and 0.00002; TOPMed 0.00005; gnomAD 0.00001; ExAC 0.00002.
gnomAD v4.1: 37 of 1,614,118 alleles (0.0023%); highest among the groups gnomAD compares: Admixed American, 0.012%; no homozygotes.

Submissions (4):

Labcorp Genetics (formerly Invitae), Labcorp
Classification: Benign. Last evaluated: 2026-01-15. Review status: criteria provided, single submitter. Criteria: Invitae Variant Classification Sherloc (09022015). Collection method: clinical testing. Allele origin: germline.

Dasa
Classification: Uncertain significance. Last evaluated: 2025-04-25. Review status: criteria provided, single submitter. Criteria: DASA Assertion Criteria. Collection method: clinical testing. Allele origin: germline.
Comment: NM_022455.5(NSD1):c.7618T>C (p.Ser2540Pro) is a missense variant that results in the substitution of serine with proline. This variant is rare in population databases. Computational prediction algorithms are consistent with a benign effect. The currently available literature and clinical evidence are not sufficient to establish a definitive association between this variant and the reported condition. Therefore, this variant is classified as a variant of uncertain significance.

Ambry Genetics
Classification: Likely benign for Inborn genetic diseases. Last evaluated: 2025-01-17. Review status: criteria provided, single submitter. Criteria: Ambry Variant Classification Scheme 2023. Collection method: clinical testing. Allele origin: germline.

Fulgent Genetics
Classification: Uncertain significance for Sotos syndrome. Last evaluated: 2024-05-14. Review status: criteria provided, single submitter. Criteria: ACMG Guidelines, 2015. Collection method: clinical testing. Allele origin: germline.

NM_022455.5(NSD1):c.7618T>C (p.Ser2540Pro)

Gene: NSD1 (nuclear receptor binding SET domain protein 1; plus strand). Cytogenetic location: 5q35.3.
Variant type: single nucleotide variant.
Coding change: c.7618T>C on transcript NM_022455.5 (MANE Select); coding-DNA position 7618, T replaced by C.
Protein change: p.Ser2540Pro; replaces serine 2540 with proline.
Molecular consequence: missense variant.
Genome position (GRCh38, 1-based): chr5:177,294,986, T>C. VCF-style: chr5-177294986-T-C. GRCh37 (hg19) VCF-style: chr5-176721987-T-C.
Other names: c.6745T>C, p.Ser2249Pro (NM_001365684.2, NM_001409308.1, NM_172349.5); c.7618T>C, p.Ser2540Pro (NM_001409301.1, NM_001409302.1, NM_001409303.1); c.7198T>C, p.Ser2400Pro (NM_001409304.1); c.6865T>C, p.Ser2289Pro (NM_001409305.1); c.6856T>C, p.Ser2286Pro (NM_001409306.1, NM_001409307.1); c.6496T>C, p.Ser2166Pro (NM_001409309.1); short protein forms S2540P, S2271P, S2166P, S2400P, S2249P, S2286P, S2289P.
Identifiers: ClinVar variation 407355 (VCV000407355.11), dbSNP rs750441093, ClinGen allele CA3578156.